The following is an entry in ClinVar:

ClinVar aggregate classification (germline): Uncertain significance. Review status: criteria provided, multiple submitters, no conflicts (2 of 4 stars). 2 submissions from 2 submitters: Uncertain significance (2). Last evaluated 2025-11-26.

Conditions:
Short-rib thoracic dysplasia 14 with polydactyly (SRTD14). Identifiers: Orphanet 397715, MedGen C4225286, MONDO:0014688, OMIM 616546.
Joubert syndrome 23 (JBTS23). Identifiers: Orphanet 475, MedGen C4084822, MONDO:0014664, OMIM 616490.
Inborn genetic diseases. Identifiers: MedGen C0950123, MeSH D030342.

Allele frequency attached by ClinVar (database versions not stated): gnomAD 0.00003; ExAC 0.00006; TOPMed 0.00005; gnomAD exomes 0.00003.
gnomAD v4.1: 52 of 1,606,036 alleles (0.0032%); highest among the groups gnomAD compares: Non-Finnish European, 0.0043%; no homozygotes.

Submissions (2):

Ambry Genetics
Classification: Uncertain significance for Inborn genetic diseases. Last evaluated: 2025-11-26. Review status: criteria provided, single submitter. Criteria: Ambry Variant Classification Scheme 2023. Collection method: clinical testing. Allele origin: germline.

Labcorp Genetics (formerly Invitae), Labcorp
Classification: Uncertain significance for Joubert syndrome 23; Short-rib thoracic dysplasia 14 with polydactyly. Last evaluated: 2022-08-10. Review status: criteria provided, single submitter. Criteria: Invitae Variant Classification Sherloc (09022015). Collection method: clinical testing. Allele origin: germline.
Comment: This sequence change replaces asparagine, which is neutral and polar, with lysine, which is basic and polar, at codon 557 of the KIAA0586 protein (p.Asn557Lys). This variant is present in population databases (rs750293975, gnomAD 0.008%). This variant has not been reported in the literature in individuals affected with KIAA0586-related conditions. Algorithms developed to predict the effect of missense changes on protein structure and function are either unavailable or do not agree on the potential impact of this missense change (SIFT: "Deleterious"; PolyPhen-2: "Probably Damaging"; Align-GVGD: "Class C0"). In summary, the available evidence is currently insufficient to determine the role of this variant in disease. Therefore, it has been classified as a Variant of Uncertain Significance.

NM_001329943.3(KIAA0586):c.1512C>A (p.Asn504Lys)

Gene: KIAA0586 (KIAA0586; plus strand). Cytogenetic location: 14q23.1.
Variant type: single nucleotide variant.
Coding change: c.1512C>A on transcript NM_001329943.3 (MANE Select); coding-DNA position 1512, C replaced by A.
Protein change: p.Asn504Lys; replaces asparagine 504 with lysine.
Molecular consequence: missense variant.
Genome position (GRCh38, 1-based): chr14:58,457,908, C>A. VCF-style: chr14-58457908-C-A. GRCh37 (hg19) VCF-style: chr14-58924626-C-A.
Other names: c.1512C>A (NM_014749.3); c.1257C>A, p.Asn419Lys (NM_001364701.2, NM_001244191.2, NM_001329945.2 and 1 more transcripts); c.1512C>A, p.Asn504Lys (NM_014749.5, NM_001329944.2, NM_001329946.2 and 1 more transcripts); c.1671C>A, p.Asn557Lys (NM_001244189.2); c.1467C>A, p.Asn489Lys (NM_001244190.2); c.1380C>A, p.Asn460Lys (NM_001244192.2); c.1092C>A, p.Asn364Lys (NM_001244193.2); short protein forms N557K, N460K, N364K, N419K, N489K, N504K.
Identifiers: ClinVar variation 2200160 (VCV002200160.2), dbSNP rs750293975, ClinGen allele CA7205671.
Genomic context (GRCh38, chr14:58,457,908, plus strand): 5'-GAAAGATGCTGAGAAGATTTTGAGAGGAGTACAAAACAATAAAAAAGTACTTGAAGAAAA[C>A]CTGGAAGCTATTATTCGTGCAAAAGATGGAGCTGCCATGTATTCGCTTATCAATGCTTTA-3'
Protein context (NP_001316872.1, residues 494-514): VQNNKKVLEE[Asn504Lys]LEAIIRAKDG